The following is an entry in ClinVar:

ClinVar aggregate classification (germline): Uncertain significance (1 of 4 stars; one submission).

Conditions:
Neurofibromatosis, type 1 (NF1). Also called: Peripheral type neurofibromatosis; Neurofibromatosis, type I; NEUROFIBROMATOSIS, TYPE I, SOMATIC; VON RECKLINGHAUSEN DISEASE. Identifiers: Orphanet 636, MedGen C0027831, MONDO:0018975, OMIM 162200. Disease mechanism: loss of function.

Submission:

Labcorp Genetics (formerly Invitae), Labcorp
Classification: Uncertain significance for Neurofibromatosis, type 1. Last evaluated: 2025-05-17. Review status: criteria provided, single submitter. Criteria: Invitae Variant Classification Sherloc (09022015). Collection method: clinical testing. Allele origin: germline.
Comment: This sequence change falls in intron 28 of the NF1 gene. It does not directly change the encoded amino acid sequence of the NF1 protein. It affects a nucleotide within the consensus splice site. This variant is not present in population databases (gnomAD no frequency). This variant has not been reported in the literature in individuals affected with NF1-related conditions. Variants that disrupt the consensus splice site are a relatively common cause of aberrant splicing (PMID: 17576681, 9536098). Algorithms developed to predict the effect of sequence changes on RNA splicing suggest that this variant may disrupt the consensus splice site. In summary, the available evidence is currently insufficient to determine the role of this variant in disease. Therefore, it has been classified as a Variant of Uncertain Significance.

Literature cited by the submitters: PubMed 17576681; PubMed 9536098.

NM_001042492.3(NF1):c.3871-3T>G

Gene: NF1 (neurofibromin 1; plus strand). Cytogenetic location: 17q11.2.
Variant type: single nucleotide variant.
Coding change: c.3871-3T>G on transcript NM_001042492.3 (MANE Select); 3 bases into the intron before coding-DNA position 3871, T replaced by G.
Molecular consequence: intron variant.
Genome position (GRCh38, 1-based): chr17:31,235,915, T>G. VCF-style: chr17-31235915-T-G. GRCh37 (hg19) VCF-style: chr17-29562933-T-G.
Other names: c.3871-3T>G (NM_000267.4).
Identifiers: ClinVar variation 4806679 (VCV004806679.1).